The following is an entry in ClinVar:

ClinVar aggregate classification (germline): Pathogenic (1 of 4 stars; one submission).

Conditions:
Leukodystrophy, demyelinating, adult-onset, autosomal dominant, typical. Also called: PELIZAEUS-MERZBACHER DISEASE, AUTOSOMAL DOMINANT OR LATE-ONSET TYPE; LMNB1-Related Autosomal Dominant Leukodystrophy. Identifiers: MedGen CN379389, MONDO:0700295, OMIM 169500.

Submission:

Ozbek Human Genetics Laboratory, Izmir Biomedicine and Genome Center
Classification: Pathogenic for Leukodystrophy, demyelinating, adult-onset, autosomal dominant, typical. Last evaluated: 2025-07-01. Review status: criteria provided, single submitter. Criteria: ACMG/ClinGen CNV Guidelines, 2019. Collection method: research. Allele origin: unknown. Affected: yes. Observed: 1 variant allele, 1 heterozygote.
Comment: A 270 kb heterozygous deletion on chromosome 5 encompassing the GRAMD2B, ALDH7A1, PHAX, and TEX43 genes, and located in the 5' upstream region of the LMNB1 gene, was identified by CNV analysis. Literature indicates that duplications of the LMNB1 gene or deletions of a critical 5' upstream region—such as the one observed in this patient—are associated with autosomal dominant leukodystrophy. Studies report that a deletion in this specific region causes the loss of an LMNB1 silencer element, leading to disease manifestation driven by increased gene dosage. The patient's clinical findings completely overlap with the phenotype observed in patients carrying this critical region deletion or LMNB1 duplications. Based on these findings, the detected deletion is classified as pathogenic. Data obtained via the RAREBOOST project (Horizon 2020 ERA Chairs at Izmir Biomedicine and Genome Center - IBG)

Single allele

Genes: GRAMD2B (GRAM domain containing 2B; plus strand), ALDH7A1 (aldehyde dehydrogenase 7 family member A1; minus strand), LMNB1-DT (LMNB1 divergent transcript; minus strand), PHAX (phosphorylated adaptor for RNA export; plus strand), SPMIP10 (sperm microtubule inner protein 10; plus strand) and 6 more. Cytogenetic location: 5q23.2.
Variant type: Deletion.
Identifiers: ClinVar variation 4879349 (VCV004879349.1).